The following is an entry in ClinVar:

NM_024675.4(PALB2):c.725T>C (p.Phe242Ser)

Gene: PALB2 (partner and localizer of BRCA2; minus strand). Cytogenetic location: 16p12.2.
Variant type: single nucleotide variant.
Coding change: c.725T>C on transcript NM_024675.4 (MANE Select); coding-DNA position 725, T replaced by C.
Protein change: p.Phe242Ser; replaces phenylalanine 242 with serine.
Molecular consequence: missense variant. On other transcripts: 5 prime UTR variant (8), intron variant (3).
Genome position (GRCh38, 1-based): chr16:23,635,821, A>G on the plus strand (T>C on the coding strand, the complement: PALB2 is on the minus strand). VCF-style: chr16-23635821-A-G. GRCh37 (hg19) VCF-style: chr16-23647142-A-G.
Other names: c.665T>C, p.Phe222Ser (NM_001407296.1); c.725T>C, p.Phe242Ser (NM_001407297.1, NM_001407298.1, NM_001407299.1 and 3 more transcripts); c.-161T>C (NM_001407304.1, NM_001407305.1, NM_001407306.1 and 5 more transcripts); c.48+5289T>C (NM_001407314.1); c.-105+5289T>C (NM_001407313.1, NM_001407312.1); short protein forms F222S, F242S.
Identifiers: ClinVar variation 4861476 (VCV004861476.1).

ClinVar aggregate classification (germline): Uncertain significance (1 of 4 stars; one submission).

Conditions:
Hereditary cancer-predisposing syndrome. Also called: Neoplastic Syndromes, Hereditary; Tumor predisposition; Hereditary Cancer Syndrome; Hereditary neoplastic syndrome. Identifiers: Orphanet 140162, MedGen C0027672, MeSH D009386, MONDO:0015356.

Submission:

Ambry Genetics
Classification: Uncertain significance for Hereditary cancer-predisposing syndrome. Last evaluated: 2026-03-23. Review status: criteria provided, single submitter. Criteria: Ambry Variant Classification Scheme 2023. Collection method: clinical testing. Allele origin: germline.
Comment: The p.F242S variant (also known as c.725T>C), located in coding exon 4 of the PALB2 gene, results from a T to C substitution at nucleotide position 725. The phenylalanine at codon 242 is replaced by serine, an amino acid with highly dissimilar properties. This amino acid position is conserved. In addition, this alteration is predicted to be tolerated by in silico analysis. Based on the available evidence, the clinical significance of this variant remains unclear.